The following is an entry in ClinVar:

ClinVar aggregate classification (germline): Uncertain significance. Review status: criteria provided, multiple submitters, no conflicts (2 of 4 stars). 3 submissions from 3 submitters: Uncertain significance (3). Last evaluated 2023-05-21.

Conditions:
Atrial septal defect 3 (ASD3). Identifiers: Orphanet 1478, MedGen C3279790, MONDO:0013567, OMIM 614089.
Cardiovascular phenotype. Identifiers: MedGen CN230736.

Allele frequency attached by ClinVar (database versions not stated): ExAC 0.00001; gnomAD exomes 0.00001.
gnomAD v4.1: 4 of 1,614,208 alleles (0.00025%); highest among the groups gnomAD compares: Admixed American, 0.0067%; no homozygotes.

Submissions (3):

Ambry Genetics
Classification: Uncertain significance for Cardiovascular phenotype. Last evaluated: 2023-05-21. Review status: criteria provided, single submitter. Criteria: Ambry Variant Classification Scheme 2023. Collection method: clinical testing. Allele origin: germline.
Comment: The p.E526D variant (also known as c.1578G>C), located in coding exon 12 of the MYH6 gene, results from a G to C substitution at nucleotide position 1578. The glutamic acid at codon 526 is replaced by aspartic acid, an amino acid with highly similar properties. This amino acid position is conserved. In addition, the in silico prediction for this alteration is inconclusive. Since supporting evidence is limited at this time, the clinical significance of this alteration remains unclear.

AiLife Diagnostics
Classification: Uncertain significance. Last evaluated: 2021-11-23. Review status: criteria provided, single submitter. Criteria: ACMG Guidelines, 2015. Collection method: clinical testing. Allele origin: germline. Affected: yes. Observed: 1 variant allele.

Baylor Genetics
Classification: Uncertain significance for Atrial septal defect 3. Last evaluated: 2018-08-07. Review status: criteria provided, single submitter. Criteria: ACMG Guidelines, 2015. Collection method: clinical testing. Allele origin: paternal. Affected: yes.
Comment: This variant was determined to be of uncertain significance according to ACMG Guidelines, 2015 [PMID:25741868].

NM_002471.4(MYH6):c.1578G>C (p.Glu526Asp)

Gene: MYH6 (myosin heavy chain 6; minus strand). Cytogenetic location: 14q11.2.
Variant type: single nucleotide variant.
Coding change: c.1578G>C on transcript NM_002471.4 (MANE Select); coding-DNA position 1578, G replaced by C.
Protein change: p.Glu526Asp; replaces glutamic acid 526 with aspartic acid.
Molecular consequence: missense variant.
Genome position (GRCh38, 1-based): chr14:23,400,259, C>G on the plus strand (G>C on the coding strand, the complement: MYH6 is on the minus strand). VCF-style: chr14-23400259-C-G. GRCh37 (hg19) VCF-style: chr14-23869468-C-G.
Other names: short protein forms E526D.
Identifiers: ClinVar variation 1032061 (VCV001032061.4), dbSNP rs753062079, ClinGen allele CA7115778.